The following is an entry in ClinVar:

NM_000257.4(MYH7):c.5451G>A (p.Ala1817=)

Gene: MYH7 (myosin heavy chain 7; minus strand). Cytogenetic location: 14q11.2.
Variant type: single nucleotide variant.
Coding change: c.5451G>A on transcript NM_000257.4 (MANE Select); coding-DNA position 5451, G replaced by A.
Protein change: p.Ala1817=; no amino-acid change (alanine 1817 retained).
Molecular consequence: synonymous variant.
Genome position (GRCh38, 1-based): chr14:23,415,103, C>T on the plus strand (G>A on the coding strand, the complement: MYH7 is on the minus strand). VCF-style: chr14-23415103-C-T. GRCh37 (hg19) VCF-style: chr14-23884312-C-T.
Other names: p.Ala1817=; c.5451G>A (LRG_384t1).
Identifiers: ClinVar variation 414339 (VCV000414339.22), dbSNP rs138682220, ClinGen allele CA046796.
Genomic context (GRCh38, chr14:23,415,103, plus strand): 5'-CACCGACTCTGCGTTGCGCTTCTGCTCGGCCTCCAGCTCATTCTCCAGCTCCCGCACCCG[C>T]GCTTCCAGCTTCTGCAGCTGCTTCTTGCCGCCCTTGAGGGCGATCTGCTCGGCTTCGTCC-3'
Protein context (NP_000248.2, residues 1807-1827): GGKKQLQKLE[Ala1817=]RVRELENELE

ClinVar aggregate classification (germline): Likely benign. Review status: criteria provided, multiple submitters, no conflicts (2 of 4 stars). 10 submissions from 10 submitters: Likely benign (9). 1 of the submissions does not count toward it. Last evaluated 2026-02-01.

Conditions:
Cardiovascular phenotype. Identifiers: MedGen CN230736.
MYH7-related disorder. Also called: MYH7-related condition; MYH7-related disease; MYH7-related disorders.
Cardiomyopathy (CMYO). Also called: Cardiomyopathies. Identifiers: Orphanet 167848, MedGen C0878544, MONDO:0004994, HP:0001638. Inheritance: Various modes of inheritance.
Hypertrophic cardiomyopathy. Also called: HYPERTROPHIC MYOCARDIOPATHY. Identifiers: Orphanet 217569, MedGen C0007194, MeSH D002312, MONDO:0005045, HP:0001639.

Allele frequency attached by ClinVar (database versions not stated): TOPMed 0.00005; ESP Exome Variant Server 0.00015.
gnomAD v4.1: 70 of 1,613,972 alleles (0.0043%); highest among the groups gnomAD compares: Admixed American, 0.027%; no homozygotes.

Submissions (10):

Labcorp Genetics (formerly Invitae), Labcorp
Classification: Likely benign for Hypertrophic cardiomyopathy. Last evaluated: 2026-02-01. Review status: criteria provided, single submitter. Criteria: Invitae Variant Classification Sherloc (09022015). Collection method: clinical testing. Allele origin: germline.

PreventionGenetics, part of Exact Sciences
Classification: Likely benign for MYH7-related condition. Last evaluated: 2026-01-13. Review status: criteria provided, single submitter. Criteria: ACMG Guidelines, 2015. Collection method: clinical testing. Allele origin: germline.
Comment: This variant is classified as likely benign based on ACMG/AMP sequence variant interpretation guidelines (Richards et al. 2015 PMID: 25741868, with internal and published modifications).

Mayo Clinic Laboratories, Mayo Clinic
Classification: Likely benign. Last evaluated: 2025-06-26. Review status: criteria provided, single submitter. Criteria: ACMG Guidelines, 2015. Collection method: clinical testing. Allele origin: germline. Observed: 1 variant allele.
Comment: BP4, BP7

ARUP Laboratories, Molecular Genetics and Genomics, ARUP Laboratories
Classification: Likely benign. Last evaluated: 2025-05-29. Review status: criteria provided, single submitter. Criteria: ARUP Molecular Germline Variant Investigation Process 2024. Collection method: clinical testing. Allele origin: germline.

Blueprint Genetics
Classification: Likely benign. Last evaluated: 2024-09-25. Review status: criteria provided, single submitter. Criteria: ACMG Guidelines, 2015. Collection method: clinical testing. Allele origin: germline.

All of Us Research Program, National Institutes of Health
Classification: Likely benign for Cardiomyopathy. Last evaluated: 2023-12-13. Review status: criteria provided, single submitter. Criteria: ACMG Guidelines, 2015. Collection method: clinical testing. Allele origin: germline. Inheritance: Autosomal dominant inheritance. Observed: 8 variant alleles, 8 heterozygotes.
Comment: This study involves interpretation of variants in research participants for the purpose of population health screening. Participant phenotype was not available at the time of variant classification. Additional details can be found in publication PMID: 35346344, PMCID: PMC8962531

Ambry Genetics
Classification: Likely benign for Cardiovascular phenotype. Last evaluated: 2020-07-14. Review status: criteria provided, single submitter. Criteria: Ambry Variant Classification Scheme 2023. Collection method: clinical testing. Allele origin: germline.

Color Diagnostics, LLC DBA Color Health
Classification: Likely benign for Cardiomyopathy. Last evaluated: 2018-10-16. Review status: criteria provided, single submitter. Criteria: ACMG Guidelines, 2015. Collection method: clinical testing. Allele origin: germline.

GeneDx
Classification: Likely benign. Last evaluated: 2017-07-31. Review status: criteria provided, single submitter. Criteria: GeneDx Variant Classification (06012015). Collection method: clinical testing. Allele origin: germline. Affected: yes.
Comment: This variant is considered likely benign or benign based on one or more of the following criteria: it is a conservative change, it occurs at a poorly conserved position in the protein, it is predicted to be benign by multiple in silico algorithms, and/or has population frequency not consistent with disease.

Cohesion Phenomics
Classification: Benign for Hypertrophic Cardiomyopathy. Last evaluated: 2022-09-27. Review status: no assertion criteria provided. Criteria: ACMG Guidelines, 2015. Collection method: clinical testing. Allele origin: germline. Affected: yes. Not counted in ClinVar's aggregate classification.